The following is an entry in ClinVar:

NM_000051.4(ATM):c.173A>T (p.Asp58Val)

Gene: ATM (ATM serine/threonine kinase; plus strand). Cytogenetic location: 11q22.3.
Variant type: single nucleotide variant.
Coding change: c.173A>T on transcript NM_000051.4 (MANE Select); coding-DNA position 173, A replaced by T.
Protein change: p.Asp58Val; replaces aspartic acid 58 with valine.
Molecular consequence: missense variant.
Genome position (GRCh38, 1-based): chr11:108,227,876, A>T. VCF-style: chr11-108227876-A-T. GRCh37 (hg19) VCF-style: chr11-108098603-A-T.
Other names: c.173A>T, p.Asp58Val (NM_001351834.2, NM_001351835.2, NM_001351836.2); short protein forms D58V.
Identifiers: ClinVar variation 853112 (VCV000853112.9), dbSNP rs1378701359, ClinGen allele CA382520543.

ClinVar aggregate classification (germline): Uncertain significance. Review status: criteria provided, multiple submitters, no conflicts (2 of 4 stars). 2 submissions from 2 submitters: Uncertain significance (2). Last evaluated 2024-10-23.

Conditions:
Hereditary cancer-predisposing syndrome. Also called: Neoplastic Syndromes, Hereditary; Hereditary Cancer Syndrome; Hereditary neoplastic syndrome; Tumor predisposition. Identifiers: Orphanet 140162, MedGen C0027672, MeSH D009386, MONDO:0015356.
Ataxia-telangiectasia syndrome (AT). Also called: Ataxia-telangiectasia, complementation group E; Cerebello-oculocutaneous telangiectasia; Immunodeficiency with ataxia telangiectasia; Ataxia-telangiectasia, complementation group D; AT, COMPLEMENTATION GROUP C; Ataxia-telangiectasia. Identifiers: Orphanet 100, MedGen C0004135, MONDO:0008840, OMIM 208900.

Submissions (2):

Ambry Genetics
Classification: Uncertain significance for Hereditary cancer-predisposing syndrome. Last evaluated: 2024-10-23. Review status: criteria provided, single submitter. Criteria: Ambry Variant Classification Scheme 2023. Collection method: clinical testing. Allele origin: germline.
Comment: The p.D58V variant (also known as c.173A>T), located in coding exon 2 of the ATM gene, results from an A to T substitution at nucleotide position 173. The aspartic acid at codon 58 is replaced by valine, an amino acid with highly dissimilar properties. This amino acid position is highly conserved in available vertebrate species. In addition, this alteration is predicted to be deleterious by in silico analysis. Based on the available evidence, the clinical significance of this variant remains unclear.

Labcorp Genetics (formerly Invitae), Labcorp
Classification: Uncertain significance for Ataxia-telangiectasia syndrome. Last evaluated: 2024-10-16. Review status: criteria provided, single submitter. Criteria: Invitae Variant Classification Sherloc (09022015). Collection method: clinical testing. Allele origin: germline.
Comment: This sequence change replaces aspartic acid, which is acidic and polar, with valine, which is neutral and non-polar, at codon 58 of the ATM protein (p.Asp58Val). This variant is not present in population databases (gnomAD no frequency). This variant has not been reported in the literature in individuals affected with ATM-related conditions. ClinVar contains an entry for this variant (Variation ID: 853112). Invitae Evidence Modeling of protein sequence and biophysical properties (such as structural, functional, and spatial information, amino acid conservation, physicochemical variation, residue mobility, and thermodynamic stability) has been performed for this missense variant. However, the output from this modeling did not meet the statistical confidence thresholds required to predict the impact of this variant on ATM protein function. In summary, the available evidence is currently insufficient to determine the role of this variant in disease. Therefore, it has been classified as a Variant of Uncertain Significance.